The following is an entry in ClinVar:

ClinVar aggregate classification (germline): Conflicting classifications of pathogenicity. Review status: criteria provided, conflicting classifications (1 of 4 stars). 2 submissions from 2 submitters: Uncertain significance (1); Likely benign (1). Last evaluated 2025-08-18.

Conditions:
Inborn genetic diseases. Identifiers: MedGen C0950123, MeSH D030342.

Allele frequency attached by ClinVar (database versions not stated): gnomAD 0.00005; TOPMed 0.00005; ExAC 0.00007.
gnomAD v4.1: 86 of 1,605,698 alleles (0.0054%); highest among the groups gnomAD compares: Admixed American, 0.01%; 1 homozygote.

Submissions (2):

Labcorp Genetics (formerly Invitae), Labcorp
Classification: Uncertain significance. Last evaluated: 2025-08-18. Review status: criteria provided, single submitter. Criteria: Invitae Variant Classification Sherloc (09022015). Collection method: clinical testing. Allele origin: germline.
Comment: This sequence change replaces arginine, which is basic and polar, with glutamine, which is neutral and polar, at codon 612 of the CD2AP protein (p.Arg612Gln). This variant is present in population databases (rs756452107, gnomAD 0.01%). This variant has not been reported in the literature in individuals affected with CD2AP-related conditions. ClinVar contains an entry for this variant (Variation ID: 3140497). Invitae Evidence Modeling of protein sequence and biophysical properties (such as structural, functional, and spatial information, amino acid conservation, physicochemical variation, residue mobility, and thermodynamic stability) has been performed for this missense variant. However, the output from this modeling did not meet the statistical confidence thresholds required to predict the impact of this variant on CD2AP protein function. In summary, the available evidence is currently insufficient to determine the role of this variant in disease. Therefore, it has been classified as a Variant of Uncertain Significance.

Ambry Genetics
Classification: Likely benign for Inborn genetic diseases. Last evaluated: 2024-02-07. Review status: criteria provided, single submitter. Criteria: Ambry Variant Classification Scheme 2023. Collection method: clinical testing. Allele origin: germline.

NM_012120.3(CD2AP):c.1835G>A (p.Arg612Gln)

Gene: CD2AP (CD2 associated protein; plus strand). Cytogenetic location: 6p12.3.
Variant type: single nucleotide variant.
Coding change: c.1835G>A on transcript NM_012120.3 (MANE Select); coding-DNA position 1835, G replaced by A.
Protein change: p.Arg612Gln; replaces arginine 612 with glutamine.
Molecular consequence: missense variant.
Genome position (GRCh38, 1-based): chr6:47,612,493, G>A. VCF-style: chr6-47612493-G-A. GRCh37 (hg19) VCF-style: chr6-47580229-G-A.
Other names: short protein forms R612Q.
Identifiers: ClinVar variation 3140497 (VCV003140497.3), dbSNP rs756452107, ClinGen allele CA3844481.